The following is an entry in ClinVar:

ClinVar aggregate classification (germline): Uncertain significance. Review status: criteria provided, multiple submitters, no conflicts (2 of 4 stars). 3 submissions from 3 submitters: Uncertain significance (3). Last evaluated 2025-11-10.

Conditions:
STING-associated vasculopathy with onset in infancy. Also called: Sting-associated vasculopathy, infantile-onset. Identifiers: Orphanet 425120, MedGen C4014722, MONDO:0014405, OMIM 615934.

Allele frequency attached by ClinVar (database versions not stated): gnomAD exomes 0.00006 and 0.00007; ESP Exome Variant Server 0.00008; ExAC 0.00010; TOPMed 0.00011; 1000 Genomes Project 30x 0.00016; 1000 Genomes Project 0.00020.

Submissions (4):

Labcorp Genetics (formerly Invitae), Labcorp
Classification: Uncertain significance for STING-associated vasculopathy with onset in infancy. Last evaluated: 2025-11-10. Review status: criteria provided, single submitter. Criteria: Invitae Variant Classification Sherloc (09022015). Collection method: clinical testing. Allele origin: germline.
Comment: This sequence change replaces arginine, which is basic and polar, with tryptophan, which is neutral and slightly polar, at codon 253 of the TMEM173 protein (p.Arg253Trp). This variant is present in population databases (rs199795457, gnomAD 0.02%). This variant has not been reported in the literature in individuals affected with TMEM173-related conditions. ClinVar contains an entry for this variant (Variation ID: 541978). An algorithm developed to predict the effect of missense changes on protein structure and function (PolyPhen-2) suggests that this variant is likely to be disruptive. Experimental studies have shown that this missense change affects TMEM173 function (PMID: 29367762). In summary, the available evidence is currently insufficient to determine the role of this variant in disease. Therefore, it has been classified as a Variant of Uncertain Significance.

Blueprint Genetics
Classification: Uncertain significance. Last evaluated: 2024-11-13. Review status: criteria provided, single submitter. Criteria: ACMG Guidelines, 2015. Collection method: clinical testing. Allele origin: germline.

Department of Pathology and Laboratory Medicine, Sinai Health System
Classification: Uncertain significance for STING-associated vasculopathy with onset in infancy. Last evaluated: 2023-08-03. Review status: criteria provided, single submitter. Criteria: ACMG Guidelines, 2015. Collection method: research. Allele origin: germline.

Dr. Peter K. Rogan Lab, Western University
No classification provided (evidence only). Condition: Familial cancer of breast. Review status: no classification provided. Collection method: in vitro. Allele origin: not applicable. Functional consequence: retained intron. Not counted in ClinVar's aggregate classification.

Literature cited by the submitters: PubMed 29367762 (cited by Labcorp Genetics (formerly Invitae), Labcorp).

NM_198282.4(STING1):c.757C>T (p.Arg253Trp)

Gene: STING1 (stimulator of interferon response cGAMP interactor 1; minus strand). Cytogenetic location: 5q31.2.
Variant type: single nucleotide variant.
Coding change: c.757C>T on transcript NM_198282.4 (MANE Select); coding-DNA position 757, C replaced by T.
Protein change: p.Arg253Trp; replaces arginine 253 with tryptophan.
Molecular consequence: missense variant.
Genome position (GRCh38, 1-based): chr5:139,478,272, G>A on the plus strand (C>T on the coding strand, the complement: STING1 is on the minus strand). VCF-style: chr5-139478272-G-A. GRCh37 (hg19) VCF-style: chr5-138857857-G-A.
Other names: c.757C>T, p.Arg253Trp (LRG_1308t1, NM_001301738.2); c.400C>T, p.Arg134Trp (NM_001367258.1); short protein forms R253W, R134W.
Identifiers: ClinVar variation 541978 (VCV000541978.14), dbSNP rs199795457, ClinGen allele CA3435332.
Genomic context (GRCh38, chr5:139,478,272, plus strand): 5'-CCCAGGGTTCTGGGGTCCTGACCCCTCCTCAGAGACCCCCACTCCCCTGCACACTTACCC[G>A]CTGCCCGTTCTCCAGAAGCTCATAGATGCTGTTGCTGTAAACCCGATCCTTGATGCCAGC-3'
Protein context (NP_938023.1, residues 243-263): SIYELLENGQ[Arg253Trp]AGTCVLEYAT